The following is an entry in ClinVar:

ClinVar aggregate classification (germline): Likely benign. Review status: criteria provided, multiple submitters, no conflicts (2 of 4 stars). 3 submissions from 3 submitters: Likely benign (3). Last evaluated 2026-08-25.

Conditions:
SLC52A3-related disorder. Also called: SLC52A3-related condition.
Brown-Vialetto-van Laere syndrome 1. Also called: BROWN-VIALETTO-VAN LAERE SYNDROME 1, MILD; BULBAR PALSY, PROGRESSIVE, WITH SENSORINEURAL DEAFNESS; PONTOBULBAR PALSY WITH DEAFNESS. Identifiers: Orphanet 572550, Orphanet 97229, MedGen C0796274, MONDO:0024537, OMIM 211530.

Allele frequency attached by ClinVar (database versions not stated): ESP Exome Variant Server 0.00015; TOPMed 0.00009.

Submissions (3):

PreventionGenetics, part of Exact Sciences
Classification: Likely benign for SLC52A3-related condition. Last evaluated: 2026-08-25. Review status: criteria provided, single submitter. Criteria: ACMG Guidelines, 2015. Collection method: clinical testing. Allele origin: germline.
Comment: This variant is classified as likely benign based on ACMG/AMP sequence variant interpretation guidelines (Richards et al. 2015 PMID: 25741868, with internal and published modifications).

Labcorp Genetics (formerly Invitae), Labcorp
Classification: Likely benign for Brown-Vialetto-van Laere syndrome 1. Last evaluated: 2025-12-01. Review status: criteria provided, single submitter. Criteria: Invitae Variant Classification Sherloc (09022015). Collection method: clinical testing. Allele origin: germline.

Mayo Clinic Laboratories, Mayo Clinic
Classification: Likely benign. Last evaluated: 2025-11-15. Review status: criteria provided, single submitter. Criteria: ACMG Guidelines, 2015. Collection method: clinical testing. Allele origin: germline. Observed: 1 variant allele.
Comment: BP4, BP7, PM2_supporting

NM_033409.4(SLC52A3):c.525C>T (p.Ser175=)

Gene: SLC52A3 (solute carrier family 52 member 3; minus strand). Cytogenetic location: 20p13.
Variant type: single nucleotide variant.
Coding change: c.525C>T on transcript NM_033409.4 (MANE Select); coding-DNA position 525, C replaced by T.
Protein change: p.Ser175=; no amino-acid change (serine 175 retained).
Molecular consequence: synonymous variant.
Genome position (GRCh38, 1-based): chr20:765,250, G>A on the plus strand (C>T on the coding strand, the complement: SLC52A3 is on the minus strand). VCF-style: chr20-765250-G-A. GRCh37 (hg19) VCF-style: chr20-745894-G-A.
Other names: p.Ser175=; c.525C>T, p.Ser175= (NM_001370085.1, NM_001370086.1).
Identifiers: ClinVar variation 703037 (VCV000703037.14), dbSNP rs143641819, ClinGen allele CA9724758.
Genomic context (GRCh38, chr20:765,250, plus strand): 5'-CCGGGTGATGCTGGGTACCTGTGCGATGTCAGTCTCCCTCGTGGGTACAGGGCTTGGTAC[G>A]CTGTCTGATATCTCAGTGACATTGACGCAGGTAGTGAGACCGGAGCCCTGGGCAAGAGCC-3'
Protein context (NP_212134.3, residues 165-185): TCVNVTEISD[Ser175=]VPSPVPTRET